The following is an entry in ClinVar:

ClinVar aggregate classification (germline): Likely pathogenic. Review status: criteria provided, multiple submitters, no conflicts (2 of 4 stars). 2 submissions from 2 submitters: Likely pathogenic (2). Last evaluated 2026-09-01.

Conditions:
Hypophosphatasia. Also called: Phosphoethanol-aminuria. Identifiers: Orphanet 436, MedGen C0020630, MeSH D007014, MONDO:0018570.

Submissions (2):

Genomenon, Inc
Classification: Likely pathogenic for Hypophosphatasia. Last evaluated: 2026-09-01. Review status: criteria provided, single submitter. Criteria: Genomenon Sequence Variant Interpretation Standards - Updated. Collection method: curation. Allele origin: germline. Affected: yes.
Comment: ALPL p.Tyr187Cys (c.560A>G) is a missense variant that changes the amino acid at codon 187 from Tyrosine to Cysteine. This variant has been observed in at least one proband affected with an ALPL-related disorder (PMID:38884565). This variant is located in a mutational hotspot and/or important functional domain. It is absent or not present at a significant frequency in gnomAD. In silico models predict that this variant is possibly or probably damaging. In conclusion, we classify ALPL p.Tyr187Cys (c.560A>G) as a likely pathogenic variant.

JKU Lab, Dept of Paediatrics, Johannes Kepler University
Classification: Likely pathogenic for Hypophosphatasia. Last evaluated: 2024-04-09. Review status: criteria provided, single submitter. Criteria: ACMG Guidelines, 2015. Collection method: clinical testing. Allele origin: germline. Affected: yes.
Comment: The variant is absent from GnomAD. The ACMG criteria applied can be looked up in the ALPL gene variant database.

Literature cited by the submitters: PubMed 38884565 (cited by Genomenon, Inc).

NM_000478.6(ALPL):c.560A>G (p.Tyr187Cys)

Gene: ALPL (alkaline phosphatase, biomineralization associated; plus strand). Cytogenetic location: 1p36.12.
Variant type: single nucleotide variant.
Coding change: c.560A>G on transcript NM_000478.6 (MANE Select); coding-DNA position 560, A replaced by G.
Protein change: p.Tyr187Cys; replaces tyrosine 187 with cysteine.
Molecular consequence: missense variant.
Genome position (GRCh38, 1-based): chr1:21,564,128, A>G. VCF-style: chr1-21564128-A-G. GRCh37 (hg19) VCF-style: chr1-21890621-A-G.
Other names: c.395A>G, p.Tyr132Cys (NM_001127501.4); c.329A>G, p.Tyr110Cys (NM_001177520.3); c.560A>G, p.Tyr187Cys (NM_001369803.2, NM_001369804.2, NM_001369805.2); short protein forms Y110C, Y132C, Y187C.
Identifiers: ClinVar variation 3235122 (VCV003235122.3), dbSNP rs2545303934, ClinGen allele CA338878044.